The following is an entry in ClinVar:

ClinVar aggregate classification (germline): Likely pathogenic (1 of 4 stars; one submission).

Conditions:
Finnish congenital nephrotic syndrome (NPHS1). Also called: NEPHROTIC SYNDROME, TYPE 1. Identifiers: Orphanet 839, MedGen C0403399, MONDO:0009732, OMIM 256300.

Submission:

Women's Health and Genetics/Laboratory Corporation of America, LabCorp
Classification: Likely pathogenic for Finnish congenital nephrotic syndrome. Last evaluated: 2023-03-17. Review status: criteria provided, single submitter. Criteria: LabCorp Variant Classification Summary - May 2015. Collection method: clinical testing. Allele origin: germline.
Comment: Variant summary: The variant identified by MLPA or other technology involves the deletion of exon 23 in the NPHS1 gene. A presumed nomenclature of c.(3109+1_3110-1)_(3166+1_3167-1)del has been designated for the purposes of this classification. Although exact breakpoints of this deletion are not known, it is expected to result in a large in-frame deletion in the NPHS1 gene, a known mechanism of disease. The variant was absent in 21694 control chromosomes in the gnomAD database, structural variants dataset. c.(3109+1_3110-1)_(3166+1_3167-1)del has been reported in the literature in an individual affected with Nephrotic Syndrome, in homozygous state (example: Rong_2021). These data indicate that the variant may be associated with disease. To our knowledge, no experimental evidence demonstrating an impact on protein function has been reported. One clinical diagnostic laboratory has submitted clinical-significance assessments for this variant to ClinVar after 2014 and classified the variant as pathogenic. Based on the evidence outlined above, the variant was classified as likely pathogenic.

Literature cited by the submitters: PubMed 34859019.

NC_000019.9:g.(36322665_36326606)_(36326664_36330138)del

Gene: NPHS1 (NPHS1 adhesion molecule, nephrin; minus strand). Cytogenetic location: 19q13.12.
Variant type: Deletion.
Identifiers: ClinVar variation 2501158 (VCV002501158.1).